The following is an entry in ClinVar:

ClinVar aggregate classification (germline): Conflicting classifications of pathogenicity. Review status: criteria provided, conflicting classifications (1 of 4 stars). 4 submissions from 4 submitters: Pathogenic (1); Likely pathogenic (2); Uncertain significance (1). Last evaluated 2026-10-06.

Conditions:
Noonan syndrome 1 (NS1). Also called: PTPN11-Related Noonan Syndrome; TURNER PHENOTYPE WITH NORMAL KARYOTYPE; FEMALE PSEUDO-TURNER SYNDROME. Identifiers: Orphanet 648, MedGen C4551602, MONDO:0008104, OMIM 163950. Disease mechanism: gain of function.
Intellectual disability. Also called: intellectual disabilities; Intellectual functioning disability; Intellectual developmental disorder. Identifiers: MedGen C3714756, MeSH D008607, MONDO:0001071, HP:0001249.
RASopathy. Also called: rasopathies; Noonan spectrum disorder. Identifiers: Orphanet 536391, MedGen C5555857, MONDO:0021060.

gnomAD v4.1: 4 of 1,614,222 alleles (0.00025%); highest among the groups gnomAD compares: Non-Finnish European, 0.00034%; no homozygotes.

Submissions (4):

GeneDx
Classification: Likely pathogenic. Last evaluated: 2026-10-06. Review status: criteria provided, single submitter. Criteria: GeneDx Variant Classification Process June 2021. Collection method: clinical testing. Allele origin: germline.
Comment: Identified as a somatic variant in the affected skin tissue of patients with a large capillary malformation or segmental macular hyperpigmentation in published literature (PMID: 36566878, 40644320); Published functional studies suggest this variant results in MAPK pathway activation and disruption of angiogenesis; however, some measures of mRNA expression and phosphorylation were not statistically significant (PMID: 36566878); Not observed at significant frequency in large population cohorts (gnomAD); In silico analysis supports that this missense variant has a deleterious effect on protein structure/function; Missense variants in this gene are a common cause of disease and they are underrepresented in the general population; Has not been previously published as a pathogenic or benign germline variant to our knowledge; This variant is associated with the following publications: (PMID: 34136434, 26833328, 29493581, 20301303, 24935154, 24451042, 21533187, 11992261, 36566878, 40644320)

Labcorp Genetics (formerly Invitae), Labcorp
Classification: Pathogenic for RASopathy. Last evaluated: 2023-08-17. Review status: criteria provided, single submitter. Criteria: Invitae Variant Classification Sherloc (09022015). Collection method: clinical testing. Allele origin: germline.
Comment: This variant is not present in population databases (gnomAD no frequency). For these reasons, this variant has been classified as Pathogenic. Advanced modeling of protein sequence and biophysical properties (such as structural, functional, and spatial information, amino acid conservation, physicochemical variation, residue mobility, and thermodynamic stability) performed at Invitae indicates that this missense variant is expected to disrupt PTPN11 protein function. ClinVar contains an entry for this variant (Variation ID: 978848). A different variant (c.1282G>T) giving rise to the same protein effect has been determined to be pathogenic (PMID: 24451042; Invitae). This suggests that this variant is also likely to be causative of disease. This sequence change replaces valine, which is neutral and non-polar, with leucine, which is neutral and non-polar, at codon 428 of the PTPN11 protein (p.Val428Leu).

Victorian Clinical Genetics Services, Murdoch Childrens Research Institute
Classification: Uncertain significance for Noonan syndrome 1. Last evaluated: 2023-07-16. Review status: criteria provided, single submitter. Criteria: ACMG Guidelines, 2015. Collection method: clinical testing. Allele origin: germline. Inheritance: Autosomal dominant inheritance. Affected: yes.
Comment: Based on the classification scheme VCGS_Germline_v1.3.4, this variant is classified as VUS-3A. Following criteria are met: 0103 - Both loss of function and gain of function are known mechanisms of disease for this gene. Metachondromatosis (MIM#156250) and Noonan syndrome with multiple lentigines have been associated with loss of function variants, whereas Noonan syndrome 1 (MIM#163950) is caused by gain of function variants (PMIDs: 11992261, 24935154, 21533187). (I) 0107 - This gene is associated with autosomal dominant disease. (I) 0115 - Variants in this gene are known to have variable expressivity (PMID: 20301303). (I) 0200 - Variant is predicted to result in a missense amino acid change from valine to leucine. (I) 0251 - This variant is heterozygous. (I) 0301 - Variant is absent from gnomAD (both v2 and v3). (SP) 0309 - An alternative amino acid change at the same position has been observed in gnomAD (v3) (4 heterozygotes, 0 homozygotes). (I) 0501 - Missense variant consistently predicted to be damaging by multiple in silico tools or highly conserved with a major amino acid change. (SP) 0600 - Variant is located in the annotated protein-tyrosine phosphatase domain (DECIPHER). (I) 0708 - Another missense variant comparable to the one identified in this case has conflicting previous evidence for pathogenicity. p.(Val428Met) has been classified as a VUS by five clinical laboratories in ClinVar and as likely pathogenic by one. This variant has also been classified as likely pathogenic in the literature where it was observed as de novo in an individual with PTPN11-related disease, however this individual also had de novo missense variants in ROBO2 and TCF4 (PMID: 34136434). (I) 0801 - This variant has strong previous evidence of pathogenicity in unrelated individuals. This variant has been classified as pathogenic and likely pathogenic by clinical laboratories in ClinVar, and observed in an individual with Noonan syndrome in the literature (PMID:24451042). This variant has also been observed in another individual with syndromic intellectual disability who also had a USPX9 deletion (PMID: 26833328). (SP) 1007 - No published functional evidence has been identified for this variant. (I) 1208 - Inheritance information for this variant is not currently available in this individual. (I) Legend: (SP) - Supporting pathogenic, (I) - Information, (SB) - Supporting benign

Diagnostic Laboratory, Strasbourg University Hospital
Classification: Likely pathogenic for Intellectual disability. Last evaluated: 2020-04-20. Review status: criteria provided, single submitter. Criteria: ACMG Guidelines, 2015. Collection method: clinical testing. Allele origin: paternal. Inheritance: Autosomal dominant inheritance. Affected: yes. Observed: 1 heterozygote.

Literature cited by the submitters: PubMed 24451042 (cited by Labcorp Genetics (formerly Invitae), Labcorp and Victorian Clinical Genetics Services, Murdoch Childrens Research Institute); PubMed 11992261 (cited by Victorian Clinical Genetics Services, Murdoch Childrens Research Institute); PubMed 20301303 (cited by Victorian Clinical Genetics Services, Murdoch Childrens Research Institute); PubMed 21533187 (cited by Victorian Clinical Genetics Services, Murdoch Childrens Research Institute); PubMed 24935154 (cited by Victorian Clinical Genetics Services, Murdoch Childrens Research Institute); PubMed 26833328 (cited by Victorian Clinical Genetics Services, Murdoch Childrens Research Institute); PubMed 34136434 (cited by Victorian Clinical Genetics Services, Murdoch Childrens Research Institute).

NM_002834.5(PTPN11):c.1282G>C (p.Val428Leu)

Gene: PTPN11 (protein tyrosine phosphatase non-receptor type 11; plus strand). Cytogenetic location: 12q24.13.
Variant type: single nucleotide variant.
Coding change: c.1282G>C on transcript NM_002834.5 (MANE Select); coding-DNA position 1282, G replaced by C.
Protein change: p.Val428Leu; replaces valine 428 with leucine.
Molecular consequence: missense variant.
Genome position (GRCh38, 1-based): chr12:112,486,532, G>C. VCF-style: chr12-112486532-G-C. GRCh37 (hg19) VCF-style: chr12-112924336-G-C.
Other names: c.1294G>C, p.Val432Leu (NM_001330437.2); c.1279G>C, p.Val427Leu (NM_001374625.1); c.1282G>C, p.Val428Leu (NM_080601.3); short protein forms V427L, V428L, V432L.
Identifiers: ClinVar variation 978848 (VCV000978848.13), dbSNP rs397507536, ClinGen allele CA386777253.